The following is an entry in ClinVar:

ClinVar aggregate classification (germline): Uncertain significance (1 of 4 stars; one submission).

Allele frequency attached by ClinVar (database versions not stated): TOPMed 0.00001.

Submission:

Labcorp Genetics (formerly Invitae), Labcorp
Classification: Uncertain significance. Last evaluated: 2024-03-20. Review status: criteria provided, single submitter. Criteria: Invitae Variant Classification Sherloc (09022015). Collection method: clinical testing. Allele origin: germline.
Comment: This sequence change affects codon 751 of the GRIN2D mRNA. It is a 'silent' change, meaning that it does not change the encoded amino acid sequence of the GRIN2D protein. It affects a nucleotide within the consensus splice site. This variant is not present in population databases (gnomAD no frequency). This variant has not been reported in the literature in individuals affected with GRIN2D-related conditions. ClinVar contains an entry for this variant (Variation ID: 1424267). Algorithms developed to predict the effect of sequence changes on RNA splicing suggest that this variant is not likely to affect RNA splicing. In summary, the available evidence is currently insufficient to determine the role of this variant in disease. Therefore, it has been classified as a Variant of Uncertain Significance.

NM_000836.4(GRIN2D):c.2253G>A (p.Gly751=)

Gene: GRIN2D (glutamate ionotropic receptor NMDA type subunit 2D; plus strand). Cytogenetic location: 19q13.33.
Variant type: single nucleotide variant.
Coding change: c.2253G>A on transcript NM_000836.4 (MANE Select); coding-DNA position 2253, G replaced by A.
Protein change: p.Gly751=; no amino-acid change (glycine 751 retained).
Molecular consequence: synonymous variant.
Genome position (GRCh38, 1-based): chr19:48,441,769, G>A. VCF-style: chr19-48441769-G-A. GRCh37 (hg19) VCF-style: chr19-48945026-G-A.
Identifiers: ClinVar variation 1424267 (VCV001424267.6), dbSNP rs1971295042, ClinGen allele CA508041952.